The following is an entry in ClinVar:

NM_003613.4(CILP):c.1291C>T (p.Arg431Cys)

Gene: CILP (cartilage intermediate layer protein; minus strand). Cytogenetic location: 15q22.31.
Variant type: single nucleotide variant.
Coding change: c.1291C>T on transcript NM_003613.4 (MANE Select); coding-DNA position 1291, C replaced by T.
Protein change: p.Arg431Cys; replaces arginine 431 with cysteine.
Molecular consequence: missense variant.
Genome position (GRCh38, 1-based): chr15:65,198,995, G>A on the plus strand (C>T on the coding strand, the complement: CILP is on the minus strand). VCF-style: chr15-65198995-G-A. GRCh37 (hg19) VCF-style: chr15-65491333-G-A.
Other names: short protein forms R431C.
Identifiers: ClinVar variation 3039079 (VCV003039079.2), dbSNP rs142998109, ClinGen allele CA7615537.
Genomic context (GRCh38, chr15:65,198,995, plus strand): 5'-CAGCATCACGGCACCTGATCCCATTATCCTGCTGCCCTGCACAAGTCTTAACAGGGCAGC[G>A]TCCCACGTCATAGTAGAAGGAGTTGGTGGCATTCTGAAAGCAATCATGGGGCAGCCGGAT-3'
Protein context (NP_003604.4, residues 421-441): ATNSFYYDVG[Arg431Cys]CPVKTCAGQQ

ClinVar aggregate classification (germline): Benign (0 of 4 stars; one submission).

Conditions:
CILP-related disorder. Also called: CILP-related condition.

Allele frequency attached by ClinVar (database versions not stated): gnomAD exomes 0.00033; ExAC 0.00135; gnomAD 0.00390; TOPMed 0.00417; ESP Exome Variant Server 0.00477; 1000 Genomes Project 30x 0.00515; 1000 Genomes Project 0.00519.
gnomAD v4.1: 1,105 of 1,611,924 alleles (0.069%); highest among the groups gnomAD compares: African/African-American, 1.3%; 4 homozygotes.

Submission:

PreventionGenetics, part of Exact Sciences
Classification: Benign for CILP-related condition. Last evaluated: 2019-02-25. Review status: no assertion criteria provided. Collection method: clinical testing. Allele origin: germline.
Comment: This variant is classified as benign based on ACMG/AMP sequence variant interpretation guidelines (Richards et al. 2015 PMID: 25741868, with internal and published modifications).